The following is an entry in ClinVar:

ClinVar aggregate classification (germline): Uncertain significance. Review status: criteria provided, multiple submitters, no conflicts (2 of 4 stars). 2 submissions from 2 submitters: Uncertain significance (2). Last evaluated 2025-07-18.

Conditions:
Inborn genetic diseases. Identifiers: MedGen C0950123, MeSH D030342.
Glycogen storage disease due to muscle and heart glycogen synthase deficiency. Also called: GSD 0b; MUSCLE GLYCOGEN SYNTHASE DEFICIENCY. Identifiers: Orphanet 137625, MedGen C1969054, MONDO:0012693, OMIM 611556.

Allele frequency attached by ClinVar (database versions not stated): gnomAD 0.00001; gnomAD exomes 0.00001; TOPMed 0.00001; ExAC 0.00002; ESP Exome Variant Server 0.00008.
gnomAD v4.1: 19 of 1,614,030 alleles (0.0012%); highest among the groups gnomAD compares: East Asian, 0.011%; no homozygotes.

Submissions (2):

Ambry Genetics
Classification: Uncertain significance for Inborn genetic diseases. Last evaluated: 2025-07-18. Review status: criteria provided, single submitter. Criteria: Ambry Variant Classification Scheme 2023. Collection method: clinical testing. Allele origin: germline.

Labcorp Genetics (formerly Invitae), Labcorp
Classification: Uncertain significance for Glycogen storage disease due to muscle and heart glycogen synthase deficiency. Last evaluated: 2023-03-17. Review status: criteria provided, single submitter. Criteria: Invitae Variant Classification Sherloc (09022015). Collection method: clinical testing. Allele origin: germline.
Comment: Algorithms developed to predict the effect of missense changes on protein structure and function output the following: SIFT: "Not Available"; PolyPhen-2: "Possibly Damaging"; Align-GVGD: "Not Available". The methionine amino acid residue is found in multiple mammalian species, which suggests that this missense change does not adversely affect protein function. In summary, the available evidence is currently insufficient to determine the role of this variant in disease. Therefore, it has been classified as a Variant of Uncertain Significance. ClinVar contains an entry for this variant (Variation ID: 970915). This variant has not been reported in the literature in individuals affected with GYS1-related conditions. This variant is present in population databases (rs370035815, gnomAD 0.006%). This sequence change replaces valine, which is neutral and non-polar, with methionine, which is neutral and non-polar, at codon 73 of the GYS1 protein (p.Val73Met).

NM_002103.5(GYS1):c.217G>A (p.Val73Met)

Gene: GYS1 (glycogen synthase 1; minus strand). Cytogenetic location: 19q13.33.
Variant type: single nucleotide variant.
Coding change: c.217G>A on transcript NM_002103.5 (MANE Select); coding-DNA position 217, G replaced by A.
Protein change: p.Val73Met; replaces valine 73 with methionine.
Molecular consequence: missense variant.
Genome position (GRCh38, 1-based): chr19:48,991,385, C>T on the plus strand (G>A on the coding strand, the complement: GYS1 is on the minus strand). VCF-style: chr19-48991385-C-T. GRCh37 (hg19) VCF-style: chr19-49494642-C-T.
Other names: c.217G>A, p.Val73Met (NM_001161587.2); short protein forms V73M.
Identifiers: ClinVar variation 970915 (VCV000970915.12), dbSNP rs370035815, ClinGen allele CA9563416.